The following is an entry in ClinVar:

NM_000361.3(THBD):c.1195C>T (p.His399Tyr)

Gene: THBD (thrombomodulin; minus strand). Cytogenetic location: 20p11.21.
Variant type: single nucleotide variant.
Coding change: c.1195C>T on transcript NM_000361.3 (MANE Select); coding-DNA position 1195, C replaced by T.
Protein change: p.His399Tyr; replaces histidine 399 with tyrosine.
Molecular consequence: missense variant.
Genome position (GRCh38, 1-based): chr20:23,048,310, G>A on the plus strand (C>T on the coding strand, the complement: THBD is on the minus strand). VCF-style: chr20-23048310-G-A. GRCh37 (hg19) VCF-style: chr20-23028947-G-A.
Other names: short protein forms H399Y.
Identifiers: ClinVar variation 4745518 (VCV004745518.1).
Genomic context (GRCh38, chr20:23,048,310, plus strand): 5'-GGTCGCAGTCGGCTGGACAGGCAGTCTGGTTGCAAAACATCTGGCACCTGTGCGGCTCGT[G>A]GGGAATGGGCGCGAAGCCCTCGGCGCAGACGCAGAGGTAGCTAGTTTGGTTCAGGGGCTG-3'
Protein context (NP_000352.1, residues 389-409): VCAEGFAPIP[His399Tyr]EPHRCQMFCN

ClinVar aggregate classification (germline): Uncertain significance (1 of 4 stars; one submission).

Submission:

Labcorp Genetics (formerly Invitae), Labcorp
Classification: Uncertain significance. Last evaluated: 2025-04-17. Review status: criteria provided, single submitter. Criteria: Invitae Variant Classification Sherloc (09022015). Collection method: clinical testing. Allele origin: germline.
Comment: This sequence change replaces histidine, which is basic and polar, with tyrosine, which is neutral and polar, at codon 399 of the THBD protein (p.His399Tyr). This variant is not present in population databases (gnomAD no frequency). This variant has not been reported in the literature in individuals affected with THBD-related conditions. Invitae Evidence Modeling of protein sequence and biophysical properties (such as structural, functional, and spatial information, amino acid conservation, physicochemical variation, residue mobility, and thermodynamic stability) indicates that this missense variant is not expected to disrupt THBD protein function with a negative predictive value of 80%. In summary, the available evidence is currently insufficient to determine the role of this variant in disease. Therefore, it has been classified as a Variant of Uncertain Significance.